The following is an entry in ClinVar:

ClinVar aggregate classification (germline): Conflicting classifications of pathogenicity. Review status: criteria provided, conflicting classifications (1 of 4 stars). 6 submissions from 5 submitters: Uncertain significance (2); Likely benign (3). 1 of the submissions does not count toward it. Last evaluated 2025-02-05.

Conditions:
Amyotrophic lateral sclerosis type 4 (ALS4). Also called: AMYOTROPHIC LATERAL SCLEROSIS 4, JUVENILE; NEURONOPATHY, DISTAL HEREDITARY MOTOR, WITH PYRAMIDAL FEATURES. Identifiers: Orphanet 357043, MedGen C1865409, MONDO:0011223, OMIM 602433.
Spinocerebellar ataxia, autosomal recessive, with axonal neuropathy 2 (SCAN2). Also called: Ataxia with Oculomotor Apraxia Type 2; ATAXIA-OCULOMOTOR APRAXIA 2; Ataxia with Oculomotor Apraxia; Ataxia-ocular apraxia-2. Identifiers: Orphanet 64753, MedGen C1853761, MONDO:0018996, OMIM 606002.
SETX-related disorder. Also called: SETX-related condition; SETX-related disorders. Identifiers: MedGen CN239403.

Allele frequency attached by ClinVar (database versions not stated): ExAC 0.00002; gnomAD 0.00003 and 0.00004; gnomAD exomes 0.00004 and 0.00009; TOPMed 0.00005.
gnomAD v4.1: 132 of 1,614,040 alleles (0.0082%); highest among the groups gnomAD compares: Non-Finnish European, 0.011%; no homozygotes.

Submissions (6):

Labcorp Genetics (formerly Invitae), Labcorp
Classification: Likely benign for Amyotrophic lateral sclerosis type 4; Spinocerebellar ataxia, autosomal recessive, with axonal neuropathy 2. Last evaluated: 2025-02-05. Review status: criteria provided, single submitter. Criteria: Invitae Variant Classification Sherloc (09022015). Collection method: clinical testing. Allele origin: germline.

Blueprint Genetics
Classification: Likely benign. Last evaluated: 2024-11-21. Review status: criteria provided, single submitter. Criteria: ACMG Guidelines, 2015. Collection method: clinical testing. Allele origin: germline.

CeGaT Center for Human Genetics Tuebingen
Classification: Likely benign. Last evaluated: 2020-04-01. Review status: criteria provided, single submitter. Criteria: CeGaT Center For Human Genetics Tuebingen Variant Classification Criteria Version 2. Collection method: clinical testing. Allele origin: germline. Affected: yes. Observed: 1 variant allele.

Illumina Laboratory Services, Illumina
Classification: Uncertain significance for Amyotrophic lateral sclerosis type 4. Last evaluated: 2018-01-12. Review status: criteria provided, single submitter. Criteria: ICSL Variant Classification Criteria 13 December 2019. Collection method: clinical testing. Allele origin: germline.

Illumina Laboratory Services, Illumina
Classification: Uncertain significance for Spinocerebellar ataxia, autosomal recessive, with axonal neuropathy 2. Last evaluated: 2018-01-12. Review status: criteria provided, single submitter. Criteria: ICSL Variant Classification Criteria 13 December 2019. Collection method: clinical testing. Allele origin: germline.

PreventionGenetics, part of Exact Sciences
Classification: Likely benign for SETX-related condition. Last evaluated: 2019-03-22. Review status: no assertion criteria provided. Collection method: clinical testing. Allele origin: germline. Not counted in ClinVar's aggregate classification.
Comment: This variant is classified as likely benign based on ACMG/AMP sequence variant interpretation guidelines (Richards et al. 2015 PMID: 25741868, with internal and published modifications).

NM_015046.7(SETX):c.540A>G (p.Lys180=)

Gene: SETX (senataxin; minus strand). Cytogenetic location: 9q34.13.
Variant type: single nucleotide variant.
Coding change: c.540A>G on transcript NM_015046.7 (MANE Select); coding-DNA position 540, A replaced by G.
Protein change: p.Lys180=; no amino-acid change (lysine 180 retained).
Molecular consequence: synonymous variant.
Genome position (GRCh38, 1-based): chr9:132,336,474, T>C on the plus strand (A>G on the coding strand, the complement: SETX is on the minus strand). VCF-style: chr9-132336474-T-C. GRCh37 (hg19) VCF-style: chr9-135211861-T-C.
Other names: c.540A>G, p.Lys180= (NM_001351527.2, NM_001351528.2).
Identifiers: ClinVar variation 912678 (VCV000912678.50), dbSNP rs757470639, ClinGen allele CA5298006.
Genomic context (GRCh38, chr9:132,336,474, plus strand): 5'-AATGACTTTAAAAAGGCAAAGTAAAACTTCTTGTAAGTCATAATAATCATCTCTGTCCAC[T>C]TTCCCCAAGTTTCTTGCAGTCAAGATAGCCCAACGCCGAACCTAAATGCAGAATATATTT-3'
Protein context (NP_055861.3, residues 170-190): WAILTARNLG[Lys180=]VDRDDYYDLQ